The following is an entry in ClinVar:

ClinVar aggregate classification (germline): Pathogenic (0 of 4 stars; one submission).

Conditions:
Fanconi anemia complementation group A (FANCA). Also called: Fanconi anemia, group A; FANCA-Related Fanconi Anemia. Identifiers: Orphanet 84, MedGen C3469521, MONDO:0009215, OMIM 227650.

Submission:

Leiden Open Variation Database
Classification: Pathogenic for Fanconi anemia complementation group A. Last evaluated: 2020-02-28. Review status: no assertion criteria provided. Collection method: curation. Allele origin: germline. Affected: yes.
Comment: Curator: Arleen D. Auerbach. Submitter to LOVD: Arleen D. Auerbach.

Literature cited by the submitters: PubMed 25168418.

NC_000016.10:g.(89805279_89805393)_(89816657_?)del

Gene: FANCA (FA complementation group A; minus strand). Cytogenetic location: 16q24.3.
Variant type: Deletion.
Identifiers: ClinVar variation 974080 (VCV000974080.1).